The following is an entry in ClinVar:

ClinVar aggregate classification (germline): Uncertain significance (1 of 4 stars; one submission).

gnomAD v4.1: 14 of 1,614,056 alleles (0.00087%); highest among the groups gnomAD compares: Non-Finnish European, 0.00085%; no homozygotes.

Submission:

CeGaT Center for Human Genetics Tuebingen
Classification: Uncertain significance. Last evaluated: 2026-05-01. Review status: criteria provided, single submitter. Criteria: CeGaT Center For Human Genetics Tuebingen Variant Classification Criteria Version 2. Collection method: clinical testing. Allele origin: germline. Affected: yes. Observed: 1 variant allele.
Comment: POLR1C: PM2

NM_203290.4(POLR1C):c.197T>A (p.Val66Glu)

Gene: POLR1C (RNA polymerase I and III subunit C; plus strand). Cytogenetic location: 6p21.1.
Variant type: single nucleotide variant.
Coding change: c.197T>A on transcript NM_203290.4 (MANE Select); coding-DNA position 197, T replaced by A.
Protein change: p.Val66Glu; replaces valine 66 with glutamic acid.
Molecular consequence: missense variant.
Genome position (GRCh38, 1-based): chr6:43,519,388, T>A. VCF-style: chr6-43519388-T-A. GRCh37 (hg19) VCF-style: chr6-43487126-T-A.
Other names: c.197T>A, p.Val66Glu (NM_001318876.2, NM_001363658.2); short protein forms V66E.
Identifiers: ClinVar variation 4873714 (VCV004873714.2).